The following is an entry in ClinVar:

NM_000238.4(KCNH2):c.1454_1462del (p.His485_Gly487del)

Gene: KCNH2 (potassium voltage-gated channel subfamily H member 2; minus strand). Cytogenetic location: 7q36.1.
Variant type: Deletion.
Coding change: c.1454_1462del on transcript NM_000238.4 (MANE Select); coding-DNA positions 1454 to 1462, 9 bases deleted (ACCCCGGCC; older notation c.1454_1462delACCCCGGCC).
Protein change: p.His485_Gly487del.
Molecular consequence: inframe deletion. On other transcripts: inframe indel (5).
Genome position (GRCh38, 1-based): chr7:150,952,520-150,952,528, GGCCGGGGT deleted on the plus strand (ACCCCGGCC on the coding strand, the reverse complement: KCNH2 is on the minus strand); deleting any 9 consecutive bases within chr7:150,952,520-150,952,531 gives the same sequence; the c. name uses the placement nearest the transcript's 3' end. VCF-style (leftmost placement, unchanged base first): chr7-150952519-CGGCCGGGGT-C. GRCh37 (hg19) VCF-style: chr7-150649607-CGGCCGGGGT-C.
Other names: c.434_442del, p.His145_Gly147del (NM_001204798.2, NM_172057.3); c.1163_1171delGCCACCCCG, p.His389_Gly391del (NM_001406753.1, NM_001406756.1); c.1274_1282delGCCACCCCG, p.His426_Gly428del (NM_001406755.1); c.1151_1159delGCCACCCCG, p.His385_Gly387del (NM_001406757.1); c.1451_1459delGCCACCCCG, p.His485_Gly487del (NM_172056.3).
Identifiers: ClinVar variation 2009925 (VCV002009925.4), dbSNP rs2486046609, ClinGen allele CA2580077807.

ClinVar aggregate classification (germline): Uncertain significance (1 of 4 stars; one submission).

Conditions:
Long QT syndrome (LQTS). Identifiers: MedGen C0023976, MeSH D008133, MONDO:0002442. Disease mechanism: loss of function. Inheritance: Various modes of inheritance.

Submission:

Labcorp Genetics (formerly Invitae), Labcorp
Classification: Uncertain significance for Long QT syndrome. Last evaluated: 2022-07-07. Review status: criteria provided, single submitter. Criteria: Invitae Variant Classification Sherloc (09022015). Collection method: clinical testing. Allele origin: germline.
Comment: In summary, the available evidence is currently insufficient to determine the role of this variant in disease. Therefore, it has been classified as a Variant of Uncertain Significance. Experimental studies and prediction algorithms are not available or were not evaluated, and the functional significance of this variant is currently unknown. This variant has not been reported in the literature in individuals affected with KCNH2-related conditions. This variant is not present in population databases (gnomAD no frequency). This variant, c.1454_1462del, results in the deletion of 3 amino acid(s) of the KCNH2 protein (p.His485_Gly487del), but otherwise preserves the integrity of the reading frame.